The following is an entry in ClinVar:

ClinVar aggregate classification (germline): Benign/Likely benign. Review status: criteria provided, multiple submitters, no conflicts (2 of 4 stars). 3 submissions from 3 submitters: Benign (1); Likely benign (1). 1 of the submissions does not count toward it. Last evaluated 2025-11-08.

Conditions:
KCNQ5-related disorder. Also called: KCNQ5-related condition.

Allele frequency attached by ClinVar (database versions not stated): ESP Exome Variant Server 0.00008; gnomAD exomes 0.00025 and 0.00045; gnomAD 0.00032 and 0.00033; ExAC 0.00033; TOPMed 0.00033; 1000 Genomes Project 0.00060; 1000 Genomes Project 30x 0.00062.
gnomAD v4.1: 440 of 1,614,082 alleles (0.027%); highest among the groups gnomAD compares: Middle Eastern, 0.45%; 1 homozygote.

Submissions (3):

Labcorp Genetics (formerly Invitae), Labcorp
Classification: Benign. Last evaluated: 2025-11-08. Review status: criteria provided, single submitter. Criteria: Invitae Variant Classification Sherloc (09022015). Collection method: clinical testing. Allele origin: germline.

Blueprint Genetics
Classification: Likely benign. Last evaluated: 2024-11-13. Review status: criteria provided, single submitter. Criteria: ACMG Guidelines, 2015. Collection method: clinical testing. Allele origin: germline.

PreventionGenetics, part of Exact Sciences
Classification: Benign for KCNQ5-related condition. Last evaluated: 2019-03-01. Review status: no assertion criteria provided. Collection method: clinical testing. Allele origin: germline. Not counted in ClinVar's aggregate classification.
Comment: This variant is classified as benign based on ACMG/AMP sequence variant interpretation guidelines (Richards et al. 2015 PMID: 25741868, with internal and published modifications).

NM_019842.4(KCNQ5):c.1887G>A (p.Gln629=)

Gene: KCNQ5 (potassium voltage-gated channel subfamily Q member 5; plus strand). Cytogenetic location: 6q13.
Variant type: single nucleotide variant.
Coding change: c.1887G>A on transcript NM_019842.4 (MANE Select); coding-DNA position 1887, G replaced by A.
Protein change: p.Gln629=; no amino-acid change (glutamine 629 retained).
Molecular consequence: synonymous variant.
Genome position (GRCh38, 1-based): chr6:73,194,502, G>A. VCF-style: chr6-73194502-G-A. GRCh37 (hg19) VCF-style: chr6-73904225-G-A.
Other names: c.1860G>A, p.Gln620= (NM_001160130.2); c.1917G>A, p.Gln639= (NM_001160132.2); c.1944G>A, p.Gln648= (NM_001160133.2); c.1557G>A, p.Gln519= (NM_001160134.2); c.1944G>A (NM_001160133.1).
Identifiers: ClinVar variation 1536123 (VCV001536123.11), dbSNP rs188281850, ClinGen allele CA3887167.